The following is an entry in ClinVar:

NM_001004334.4(GPR179):c.2311T>A (p.Ser771Thr)

Gene: GPR179 (G protein-coupled receptor 179; minus strand). Cytogenetic location: 17q12.
Variant type: single nucleotide variant.
Coding change: c.2311T>A on transcript NM_001004334.4 (MANE Select); coding-DNA position 2311, T replaced by A.
Protein change: p.Ser771Thr; replaces serine 771 with threonine.
Molecular consequence: missense variant.
Genome position (GRCh38, 1-based): chr17:38,331,258, A>T on the plus strand (T>A on the coding strand, the complement: GPR179 is on the minus strand). VCF-style: chr17-38331258-A-T. GRCh37 (hg19) VCF-style: chr17-36487141-A-T.
Other names: short protein forms S771T.
Identifiers: ClinVar variation 1966221 (VCV001966221.5), dbSNP rs1242975487, ClinGen allele CA398883545.
Genomic context (GRCh38, chr17:38,331,258, plus strand): 5'-TCAGCAGTGAGTCAAGAAGAGGCGGGTCCTGCTCCCTGCGCTGGTCATAGGTGCTGCGGG[A>T]CTTGTGCAGAGCTGGTGTCCCCTCGGGTTCCTGGAGGCTGGAGCTGAGGAGCCGGCGGCG-3'
Protein context (NP_001004334.3, residues 761-781): EPEGTPALHK[Ser771Thr]RSTYDQRREQ

ClinVar aggregate classification (germline): Uncertain significance (1 of 4 stars; one submission).

Submission:

Labcorp Genetics (formerly Invitae), Labcorp
Classification: Uncertain significance. Last evaluated: 2022-05-29. Review status: criteria provided, single submitter. Criteria: Invitae Variant Classification Sherloc (09022015). Collection method: clinical testing. Allele origin: germline.
Comment: This sequence change replaces serine, which is neutral and polar, with threonine, which is neutral and polar, at codon 771 of the GPR179 protein (p.Ser771Thr). This variant is present in population databases (no rsID available, gnomAD 0.007%). This variant has not been reported in the literature in individuals affected with GPR179-related conditions. Algorithms developed to predict the effect of missense changes on protein structure and function output the following: SIFT: "Tolerated"; PolyPhen-2: "Benign"; Align-GVGD: "Class C0". The threonine amino acid residue is found in multiple mammalian species, which suggests that this missense change does not adversely affect protein function. In summary, the available evidence is currently insufficient to determine the role of this variant in disease. Therefore, it has been classified as a Variant of Uncertain Significance.